The following is an entry in ClinVar:

ClinVar aggregate classification (germline): Uncertain significance (1 of 4 stars; one submission).

Allele frequency attached by ClinVar (database versions not stated): ExAC 0.00001; gnomAD exomes 0.00001.
gnomAD v4.1: 15 of 1,613,608 alleles (0.00093%); highest among the groups gnomAD compares: Non-Finnish European, 0.0012%; no homozygotes.

Submission:

Labcorp Genetics (formerly Invitae), Labcorp
Classification: Uncertain significance. Last evaluated: 2023-06-15. Review status: criteria provided, single submitter. Criteria: Invitae Variant Classification Sherloc (09022015). Collection method: clinical testing. Allele origin: germline.
Comment: In summary, the available evidence is currently insufficient to determine the role of this variant in disease. Therefore, it has been classified as a Variant of Uncertain Significance. An algorithm developed to predict the effect of missense changes on protein structure and function (PolyPhen-2) suggests that this variant is likely to be tolerated. This variant has not been reported in the literature in individuals affected with NFKB1-related conditions. This variant is present in population databases (rs770564763, gnomAD 0.0009%). This sequence change replaces valine, which is neutral and non-polar, with isoleucine, which is neutral and non-polar, at codon 865 of the NFKB1 protein (p.Val865Ile).

NM_003998.4(NFKB1):c.2593G>A (p.Val865Ile)

Gene: NFKB1 (nuclear factor kappa B subunit 1; plus strand). Cytogenetic location: 4q24.
Variant type: single nucleotide variant.
Coding change: c.2593G>A on transcript NM_003998.4 (MANE Select); coding-DNA position 2593, G replaced by A.
Protein change: p.Val865Ile; replaces valine 865 with isoleucine.
Molecular consequence: missense variant.
Genome position (GRCh38, 1-based): chr4:102,613,425, G>A. VCF-style: chr4-102613425-G-A. GRCh37 (hg19) VCF-style: chr4-103534582-G-A.
Other names: c.2590G>A, p.Val864Ile (NM_001165412.2, NM_001319226.2, NM_001382627.1); c.2593G>A, p.Val865Ile (NM_001382625.1, NM_001382626.1); c.2551G>A, p.Val851Ile (NM_001382628.1); short protein forms V851I, V865I, V864I.
Identifiers: ClinVar variation 2775759 (VCV002775759.3), dbSNP rs770564763, ClinGen allele CA3026483.